The following is an entry in ClinVar:

NM_002609.4(PDGFRB):c.1537G>A (p.Ala513Thr)

Gene: PDGFRB (platelet derived growth factor receptor beta; minus strand). Cytogenetic location: 5q32.
Variant type: single nucleotide variant.
Coding change: c.1537G>A on transcript NM_002609.4 (MANE Select); coding-DNA position 1537, G replaced by A.
Protein change: p.Ala513Thr; replaces alanine 513 with threonine.
Molecular consequence: missense variant.
Genome position (GRCh38, 1-based): chr5:150,129,799, C>T on the plus strand (G>A on the coding strand, the complement: PDGFRB is on the minus strand). VCF-style: chr5-150129799-C-T. GRCh37 (hg19) VCF-style: chr5-149509362-C-T.
Other names: c.1537G>A (NM_002609.3); c.1345G>A, p.Ala449Thr (NM_001355016.2); c.1054G>A, p.Ala352Thr (NM_001355017.2); short protein forms A449T, A513T, A352T.
Identifiers: ClinVar variation 2159961 (VCV002159961.7), dbSNP rs768971476, ClinGen allele CA3507946.
Genomic context (GRCh38, chr5:150,129,799, plus strand): 5'-CTGAGGCTGGGGACTCACAGTGTGGCACCACGATGACCTCCTGCGTGTCCTGGCCCACAG[C>T]GTTGCGCAGCGTGCAGCGCACCGACAGTGGCCGATCCACGTGCTGCAGACGCAGTGTGCT-3'
Protein context (NP_002600.1, residues 503-523): PLSVRCTLRN[Ala513Thr]VGQDTQEVIV

ClinVar aggregate classification (germline): Uncertain significance. Review status: criteria provided, multiple submitters, no conflicts (2 of 4 stars). 2 submissions from 2 submitters: Uncertain significance (2). Last evaluated 2025-08-08.

Conditions:
Inborn genetic diseases. Identifiers: MedGen C0950123, MeSH D030342.
Infantile myofibromatosis (IMF). Also called: Congenital generalized fibromatosis. Identifiers: Orphanet 2591, MedGen C0432284, MONDO:0016824.
Skeletal overgrowth-craniofacial dysmorphism-hyperelastic skin-white matter lesions syndrome. Also called: SKELETAL OVERGROWTH WITH FACIAL DYSMORPHISM, HYPERELASTIC SKIN, WHITE MATTER LESIONS, AND NEUROLOGIC DETERIORATION; Kosaki overgrowth syndrome. Identifiers: Orphanet 477831, MedGen C4225270, MONDO:0014704, OMIM 616592.
Basal ganglia calcification, idiopathic, 4 (PFBC4). Also called: Familial Idiopathic Basal Ganglia Calcification 4; PRIMARY FAMILIAL BRAIN CALCIFICATION 4, AUTOSOMAL DOMINANT. Identifiers: Orphanet 1980, MedGen C3554321, MONDO:0014004, OMIM 615007.
Acroosteolysis-keloid-like lesions-premature aging syndrome. Also called: Premature aging syndrome, Penttinen type; Prematurely aged appearance, delayed bone maturation, acro-osteolysis, and brachydactyly; Progeroid syndrome, Penttinen type. Identifiers: Orphanet 363665, MedGen C1866182, MONDO:0011150, OMIM 601812.

Allele frequency attached by ClinVar (database versions not stated): gnomAD exomes 0.00001; ExAC 0.00001; gnomAD 0.00001.
gnomAD v4.1: 22 of 1,613,824 alleles (0.0014%); highest among the groups gnomAD compares: Admixed American, 0.0017%; no homozygotes.

Submissions (2):

Ambry Genetics
Classification: Uncertain significance for Inborn genetic diseases. Last evaluated: 2025-08-08. Review status: criteria provided, single submitter. Criteria: Ambry Variant Classification Scheme 2023. Collection method: clinical testing. Allele origin: germline.

Labcorp Genetics (formerly Invitae), Labcorp
Classification: Uncertain significance for Basal ganglia calcification, idiopathic, 4; Skeletal overgrowth-craniofacial dysmorphism-hyperelastic skin-white matter lesions syndrome; Infantile myofibromatosis; Acroosteolysis-keloid-like lesions-premature aging syndrome. Last evaluated: 2023-11-25. Review status: criteria provided, single submitter. Criteria: Invitae Variant Classification Sherloc (09022015). Collection method: clinical testing. Allele origin: germline.
Comment: This sequence change replaces alanine, which is neutral and non-polar, with threonine, which is neutral and polar, at codon 513 of the PDGFRB protein (p.Ala513Thr). The frequency data for this variant in the population databases is considered unreliable, as metrics indicate poor data quality at this position in the gnomAD database. This variant has not been reported in the literature in individuals affected with PDGFRB-related conditions. ClinVar contains an entry for this variant (Variation ID: 2159961). Advanced modeling of protein sequence and biophysical properties (such as structural, functional, and spatial information, amino acid conservation, physicochemical variation, residue mobility, and thermodynamic stability) performed at Invitae indicates that this missense variant is not expected to disrupt PDGFRB protein function with a negative predictive value of 80%. In summary, the available evidence is currently insufficient to determine the role of this variant in disease. Therefore, it has been classified as a Variant of Uncertain Significance.